The following is an entry in ClinVar:

ClinVar aggregate classification (germline): Uncertain significance. Review status: criteria provided, multiple submitters, no conflicts (2 of 4 stars). 2 submissions from 2 submitters: Uncertain significance (2). Last evaluated 2025-04-25.

Conditions:
Inborn genetic diseases. Identifiers: MedGen C0950123, MeSH D030342.
Vici syndrome (VICIS). Identifiers: Orphanet 1493, MedGen C1855772, MONDO:0009452, OMIM 242840.

Allele frequency attached by ClinVar (database versions not stated): gnomAD 0.00003.
gnomAD v4.1: 33 of 1,614,036 alleles (0.002%); highest among the groups gnomAD compares: African/African-American, 0.011%; no homozygotes.

Submissions (2):

Ambry Genetics
Classification: Uncertain significance for Inborn genetic diseases. Last evaluated: 2025-04-25. Review status: criteria provided, single submitter. Criteria: Ambry Variant Classification Scheme 2023. Collection method: clinical testing. Allele origin: germline.

Labcorp Genetics (formerly Invitae), Labcorp
Classification: Uncertain significance for Vici syndrome. Last evaluated: 2022-08-21. Review status: criteria provided, single submitter. Criteria: Invitae Variant Classification Sherloc (09022015). Collection method: clinical testing. Allele origin: germline.
Comment: This sequence change replaces valine, which is neutral and non-polar, with isoleucine, which is neutral and non-polar, at codon 2565 of the EPG5 protein (p.Val2565Ile). This variant is present in population databases (no rsID available, gnomAD 0.01%). This variant has not been reported in the literature in individuals affected with EPG5-related conditions. ClinVar contains an entry for this variant (Variation ID: 639002). Algorithms developed to predict the effect of missense changes on protein structure and function output the following: SIFT: "Tolerated"; PolyPhen-2: "Benign"; Align-GVGD: "Class C0". The isoleucine amino acid residue is found in multiple mammalian species, which suggests that this missense change does not adversely affect protein function. In summary, the available evidence is currently insufficient to determine the role of this variant in disease. Therefore, it has been classified as a Variant of Uncertain Significance.

NM_020964.3(EPG5):c.7693G>A (p.Val2565Ile)

Gene: EPG5 (ectopic P-granules 5 autophagy tethering factor; minus strand). Cytogenetic location: 18q12.3.
Variant type: single nucleotide variant.
Coding change: c.7693G>A on transcript NM_020964.3 (MANE Select); coding-DNA position 7693, G replaced by A.
Protein change: p.Val2565Ile; replaces valine 2565 with isoleucine.
Molecular consequence: missense variant.
Genome position (GRCh38, 1-based): chr18:45,852,514, C>T on the plus strand (G>A on the coding strand, the complement: EPG5 is on the minus strand). VCF-style: chr18-45852514-C-T. GRCh37 (hg19) VCF-style: chr18-43432479-C-T.
Other names: c.7693G>A, p.Val2565Ile (LRG_1234t1); short protein forms V2565I.
Identifiers: ClinVar variation 639002 (VCV000639002.6), dbSNP rs777854920, ClinGen allele CA299685670.